The following is an entry in ClinVar:

NM_000116.5(TAFAZZIN):c.145G>C (p.Val49Leu)

Gene: TAFAZZIN (tafazzin, phospholipid-lysophospholipid transacylase; plus strand). Cytogenetic location: Xq28.
Variant type: single nucleotide variant.
Coding change: c.145G>C on transcript NM_000116.5 (MANE Select); coding-DNA position 145, G replaced by C.
Protein change: p.Val49Leu; replaces valine 49 with leucine.
Molecular consequence: missense variant. On other transcripts: non-coding transcript variant (1).
Genome position (GRCh38, 1-based): chrX:154,412,121, G>C. VCF-style: chrX-154412121-G-C. GRCh37 (hg19) VCF-style: chrX-153640458-G-C.
Other names: c.199G>C, p.Val67Leu (NM_001303465.2, NM_001410698.1); c.145G>C, p.Val49Leu (NM_181311.4, NM_181312.4, NM_181313.4); short protein forms V49L, V67L.
Identifiers: ClinVar variation 2060122 (VCV002060122.4), dbSNP rs2522924011, ClinGen allele CA415179573.

ClinVar aggregate classification (germline): Uncertain significance (1 of 4 stars; one submission).

Conditions:
3-Methylglutaconic aciduria type 2 (BTHS). Also called: Barth syndrome; CARDIOSKELETAL MYOPATHY WITH NEUTROPENIA AND ABNORMAL MITOCHONDRIA. Identifiers: Orphanet 111, MedGen C0574083, MONDO:0010543, OMIM 302060.

Submission:

Labcorp Genetics (formerly Invitae), Labcorp
Classification: Uncertain significance for 3-Methylglutaconic aciduria type 2. Last evaluated: 2021-12-25. Review status: criteria provided, single submitter. Criteria: Invitae Variant Classification Sherloc (09022015). Collection method: clinical testing. Allele origin: germline.
Comment: This sequence change replaces valine, which is neutral and non-polar, with leucine, which is neutral and non-polar, at codon 49 of the TAZ protein (p.Val49Leu). This variant is not present in population databases (gnomAD no frequency). This variant has not been reported in the literature in individuals affected with TAZ-related conditions. Algorithms developed to predict the effect of missense changes on protein structure and function are either unavailable or do not agree on the potential impact of this missense change (SIFT: "Not Available"; PolyPhen-2: "Benign"; Align-GVGD: "Not Available"). In summary, the available evidence is currently insufficient to determine the role of this variant in disease. Therefore, it has been classified as a Variant of Uncertain Significance.